The following is an entry in ClinVar:

ClinVar aggregate classification (germline): Pathogenic. Review status: criteria provided, multiple submitters, no conflicts (2 of 4 stars). 3 submissions from 3 submitters: Pathogenic (3). Last evaluated 2023-11-13.

Conditions:
Osteogenesis imperfecta type I (OI1). Also called: Lobstein disease; Classic Non-deforming Osteogenesis Imperfecta with Blue Sclerae; Lobstein's Disease; OI, TYPE I; OSTEOGENESIS IMPERFECTA TARDA; OSTEOGENESIS IMPERFECTA WITH BLUE SCLERAE. Identifiers: Orphanet 216796, Orphanet 666, MedGen C0023931, MONDO:0008146, OMIM 166200. Disease mechanism: loss of function.
Osteogenesis imperfecta (OI). Identifiers: Orphanet 666, MedGen C0029434, MeSH D010013, MONDO:0019019.

Submissions (3):

Labcorp Genetics (formerly Invitae), Labcorp
Classification: Pathogenic for Osteogenesis imperfecta type I. Last evaluated: 2023-11-13. Review status: criteria provided, single submitter. Criteria: Invitae Variant Classification Sherloc (09022015). Collection method: clinical testing. Allele origin: germline.
Comment: This sequence change affects a donor splice site in intron 26 of the COL1A1 gene. It is expected to disrupt RNA splicing. Variants that disrupt the donor or acceptor splice site typically lead to a loss of protein function (PMID: 16199547), and loss-of-function variants in COL1A1 are known to be pathogenic (PMID: 7942841, 9295084, 9443882). This variant is not present in population databases (gnomAD no frequency). Disruption of this splice site has been observed in individuals with osteogenesis imperfecta (PMID: 8408653, 17078022). ClinVar contains an entry for this variant (Variation ID: 649147). Algorithms developed to predict the effect of sequence changes on RNA splicing suggest that this variant may disrupt the consensus splice site. For these reasons, this variant has been classified as Pathogenic.

Genome Diagnostics Laboratory, The Hospital for Sick Children
Classification: Pathogenic for Osteogenesis imperfecta. Last evaluated: 2022-06-28. Review status: criteria provided, single submitter. Criteria: ACMG Guidelines, 2015. Collection method: clinical testing. Allele origin: germline.

Genetics Department, Polish Mother's Memorial Hospital Research Institute
Classification: Pathogenic for Osteogenesis imperfecta. Last evaluated: 2019-07-11. Review status: criteria provided, single submitter. Criteria: ACMG Guidelines, 2015. Collection method: research. Allele origin: inherited. Affected: yes. Observed: 3 variant alleles.

Literature cited by the submitters: PubMed 16199547 (cited by Labcorp Genetics (formerly Invitae), Labcorp); PubMed 7942841 (cited by Labcorp Genetics (formerly Invitae), Labcorp); PubMed 9295084 (cited by Labcorp Genetics (formerly Invitae), Labcorp); PubMed 9443882 (cited by Labcorp Genetics (formerly Invitae), Labcorp); PubMed 8408653 (cited by Labcorp Genetics (formerly Invitae), Labcorp); PubMed 17078022 (cited by Labcorp Genetics (formerly Invitae), Labcorp).

NM_000088.4(COL1A1):c.1821+1G>C

Gene: COL1A1 (collagen type I alpha 1 chain; minus strand). Cytogenetic location: 17q21.33.
Variant type: single nucleotide variant.
Coding change: c.1821+1G>C on transcript NM_000088.4 (MANE Select); the canonical splice donor site of the intron after coding-DNA position 1821, G replaced by C.
Molecular consequence: splice donor variant.
Genome position (GRCh38, 1-based): chr17:50,192,993, C>G on the plus strand (G>C on the coding strand, the complement: COL1A1 is on the minus strand). VCF-style: chr17-50192993-C-G. GRCh37 (hg19) VCF-style: chr17-48270354-C-G.
Identifiers: ClinVar variation 649147 (VCV000649147.16), dbSNP rs66555264, ClinGen allele CA400214875.